The following is an entry in ClinVar:

NM_000059.4(BRCA2):c.67+8C>T

Gene: BRCA2 (BRCA2 DNA repair associated; plus strand). Cytogenetic location: 13q13.1.
Variant type: single nucleotide variant.
Coding change: c.67+8C>T on transcript NM_000059.4 (MANE Select); 8 bases into the intron after coding-DNA position 67, C replaced by T.
Molecular consequence: intron variant.
Genome position (GRCh38, 1-based): chr13:32,316,535, C>T. VCF-style: chr13-32316535-C-T. GRCh37 (hg19) VCF-style: chr13-32890672-C-T.
Identifiers: ClinVar variation 508956 (VCV000508956.4), dbSNP rs774714454, ClinGen allele CA247478942.

ClinVar aggregate classification (germline): Likely benign. Review status: criteria provided, multiple submitters, no conflicts (2 of 4 stars). 2 submissions from 2 submitters: Likely benign (2). Last evaluated 2023-11-29.

Conditions:
Hereditary breast ovarian cancer syndrome. Also called: Hereditary breast and ovarian cancer syndrome; Breast and ovarian cancer; BRCA1- and BRCA2-Associated Hereditary Breast and Ovarian Cancer; Hereditary breast and ovarian cancer syndrome (HBOC); Hereditary breast and/or ovarian cancer syndrome; Hereditary breast and ovarian cancer. Identifiers: Orphanet 145, MedGen C0677776, MeSH D061325, MONDO:0003582. Disease mechanism: loss of function.

Submissions (2):

Labcorp Genetics (formerly Invitae), Labcorp
Classification: Likely benign for Hereditary breast ovarian cancer syndrome. Last evaluated: 2023-11-29. Review status: criteria provided, single submitter. Criteria: Invitae Variant Classification Sherloc (09022015). Collection method: clinical testing. Allele origin: germline.

GeneDx
Classification: Likely benign. Last evaluated: 2017-04-13. Review status: criteria provided, single submitter. Criteria: GeneDx Variant Classification (06012015). Collection method: clinical testing. Allele origin: germline. Affected: yes.
Comment: This variant is considered likely benign or benign based on one or more of the following criteria: it is a conservative change, it occurs at a poorly conserved position in the protein, it is predicted to be benign by multiple in silico algorithms, and/or has population frequency not consistent with disease.